The following is an entry in ClinVar:

ClinVar aggregate classification (germline): Conflicting classifications of pathogenicity. Review status: criteria provided, conflicting classifications (1 of 4 stars). 6 submissions from 5 submitters: Uncertain significance (1); Likely benign (5). Last evaluated 2026-01-15.

Conditions:
HSPB8-related disorder. Also called: HSPB8-related condition.
Charcot-Marie-Tooth disease axonal type 2L. Also called: Charcot-Marie-Tooth Neuropathy Type 2L; CHARCOT-MARIE-TOOTH DISEASE, AXONAL, AUTOSOMAL DOMINANT, TYPE 2L; CHARCOT-MARIE-TOOTH NEUROPATHY, AXONAL, TYPE 2L. Identifiers: Orphanet 99945, MedGen C1837552, MONDO:0012096, OMIM 608673.
Neuronopathy, distal hereditary motor, type 2A. Also called: HMN IIA; CHARCOT-MARIE-TOOTH DISEASE, SPINAL, IIA; NEURONOPATHY, DISTAL HEREDITARY MOTOR, AUTOSOMAL DOMINANT 2; NEURONOPATHY, DISTAL HEREDITARY MOTOR, HARDING TYPE IIA; NEUROPATHY, DISTAL HEREDITARY MOTOR, HARDING TYPE IIA; SPINAL MUSCULAR ATROPHY, DISTAL, ADULT, AUTOSOMAL DOMINANT, HARDING TYPE IIA. Identifiers: Orphanet 139525, MedGen C1834692, MONDO:0008025, OMIM 158590.

Allele frequency attached by ClinVar (database versions not stated): TOPMed 0.00021; ESP Exome Variant Server 0.00023.
gnomAD v4.1: 522 of 1,613,808 alleles (0.032%); highest among the groups gnomAD compares: Non-Finnish European, 0.039%; 1 homozygote.

Submissions (7):

Labcorp Genetics (formerly Invitae), Labcorp
Classification: Likely benign for Charcot-Marie-Tooth disease axonal type 2L. Last evaluated: 2026-01-15. Review status: criteria provided, single submitter. Criteria: Invitae Variant Classification Sherloc (09022015). Collection method: clinical testing. Allele origin: germline.

PreventionGenetics, part of Exact Sciences
Classification: Likely benign for HSPB8-related condition. Last evaluated: 2025-07-03. Review status: criteria provided, single submitter. Criteria: ACMG Guidelines, 2015. Collection method: clinical testing. Allele origin: germline.
Comment: This variant is classified as likely benign based on ACMG/AMP sequence variant interpretation guidelines (Richards et al. 2015 PMID: 25741868, with internal and published modifications).

Mayo Clinic Laboratories, Mayo Clinic
Classification: Likely benign. Last evaluated: 2025-06-13. Review status: criteria provided, single submitter. Criteria: ACMG Guidelines, 2015. Collection method: clinical testing. Allele origin: germline. Observed: 1 variant allele.
Comment: BS2

GeneDx
Classification: Likely benign. Last evaluated: 2020-02-21. Review status: criteria provided, single submitter. Criteria: GeneDx Variant Classification Process June 2021. Collection method: clinical testing. Allele origin: germline. Affected: yes.
Comment: Has not been previously published as pathogenic or benign to our knowledge; In silico analysis, which includes splice predictors and evolutionary conservation, suggests this variant may impact gene splicing. In the absence of RNA/functional studies, the actual effect of this sequence change is unknown.

Illumina Laboratory Services, Illumina
Classification: Likely benign for Neuronopathy, distal hereditary motor, type 2A. Last evaluated: 2018-01-12. Review status: criteria provided, single submitter. Criteria: ICSL Variant Classification Criteria 13 December 2019. Collection method: clinical testing. Allele origin: germline.
Comment: This variant was observed in the ICSL laboratory as part of a predisposition screen in an ostensibly healthy population. It had not been previously curated by ICSL or reported in the Human Gene Mutation Database (HGMD: prior to June 1st, 2018), and was therefore a candidate for classification through an automated scoring system. Utilizing variant allele frequency, disease prevalence and penetrance estimates, and inheritance mode, an automated score was calculated to assess if this variant is too frequent to cause the disease. Based on the score and internal cut-off values, a variant classified as likely benign is not then subjected to further curation. The score for this variant resulted in a classification of likely benign for this disease.

Illumina Laboratory Services, Illumina
Classification: Uncertain significance for Charcot-Marie-Tooth disease axonal type 2L. Last evaluated: 2018-01-12. Review status: criteria provided, single submitter. Criteria: ICSL Variant Classification Criteria 13 December 2019. Collection method: clinical testing. Allele origin: germline.

Dr. Peter K. Rogan Lab, Western University
No classification provided (evidence only). Condition: Ovarian serous cystadenocarcinoma. Review status: no classification provided. Collection method: in vitro. Allele origin: not applicable. Functional consequence: retained intron. Not counted in ClinVar's aggregate classification.

NM_014365.3(HSPB8):c.432-10T>A

Gene: HSPB8 (heat shock protein family B (small) member 8; plus strand). Cytogenetic location: 12q24.23.
Variant type: single nucleotide variant.
Coding change: c.432-10T>A on transcript NM_014365.3 (MANE Select); 10 bases into the intron before coding-DNA position 432, T replaced by A.
Molecular consequence: intron variant.
Genome position (GRCh38, 1-based): chr12:119,193,689, T>A. VCF-style: chr12-119193689-T-A. GRCh37 (hg19) VCF-style: chr12-119631494-T-A.
Other names: p.?.
Identifiers: ClinVar variation 464510 (VCV000464510.21), dbSNP rs368810689, ClinGen allele CA6819605.
Genomic context (GRCh38, chr12:119,193,689, plus strand): 5'-TCAAGTGAATAAAAGAATGTTTAAGCAATATTAACAACAATAAATGAATAAAATCGTGTG[T>A]TTCTCCTAGGCTTCCTGCAGAGGTGGATCCTGTGACAGTATTTGCCTCACTTTCCCCAGA-3'